The following is an entry in ClinVar:

ClinVar aggregate classification (germline): Uncertain significance. Review status: criteria provided, multiple submitters, no conflicts (2 of 4 stars). 2 submissions from 2 submitters: Uncertain significance (2). Last evaluated 2022-07-15.

Conditions:
Inborn genetic diseases. Identifiers: MedGen C0950123, MeSH D030342.

Allele frequency attached by ClinVar (database versions not stated): TOPMed 0.00001.

Submissions (2):

Labcorp Genetics (formerly Invitae), Labcorp
Classification: Uncertain significance. Last evaluated: 2022-07-15. Review status: criteria provided, single submitter. Criteria: Invitae Variant Classification Sherloc (09022015). Collection method: clinical testing. Allele origin: germline.
Comment: This sequence change replaces arginine, which is basic and polar, with cysteine, which is neutral and slightly polar, at codon 238 of the CAD protein (p.Arg238Cys). This variant is present in population databases (no rsID available, gnomAD 0.009%). This variant has not been reported in the literature in individuals affected with CAD-related conditions. ClinVar contains an entry for this variant (Variation ID: 1021129). Algorithms developed to predict the effect of missense changes on protein structure and function output the following: SIFT: "Deleterious"; PolyPhen-2: "Benign"; Align-GVGD: "Class C0". The cysteine amino acid residue is found in multiple mammalian species, which suggests that this missense change does not adversely affect protein function. In summary, the available evidence is currently insufficient to determine the role of this variant in disease. Therefore, it has been classified as a Variant of Uncertain Significance.

Ambry Genetics
Classification: Uncertain significance for Inborn genetic diseases. Last evaluated: 2021-10-05. Review status: criteria provided, single submitter. Criteria: Ambry Variant Classification Scheme 2023. Collection method: clinical testing. Allele origin: germline.

NM_004341.5(CAD):c.712C>T (p.Arg238Cys)

Gene: CAD (carbamoyl-phosphate synthetase 2, aspartate transcarbamylase, and dihydroorotase; plus strand). Cytogenetic location: 2p23.3.
Variant type: single nucleotide variant.
Coding change: c.712C>T on transcript NM_004341.5 (MANE Select); coding-DNA position 712, C replaced by T.
Protein change: p.Arg238Cys; replaces arginine 238 with cysteine.
Molecular consequence: missense variant.
Genome position (GRCh38, 1-based): chr2:27,222,940, C>T. VCF-style: chr2-27222940-C-T. GRCh37 (hg19) VCF-style: chr2-27445808-C-T.
Other names: c.712C>T, p.Arg238Cys (NM_001306079.2); c.712C>T (NM_004341.3); short protein forms R238C.
Identifiers: ClinVar variation 1021129 (VCV001021129.6), dbSNP rs1031546164, ClinGen allele CA346200658.